The following is an entry in ClinVar:

ClinVar aggregate classification (germline): Uncertain significance (1 of 4 stars; one submission).

Conditions:
Congenital myasthenic syndrome 2A. Also called: Myasthenic syndrome, congenital, 2a, slow-channel. Identifiers: Orphanet 590, MedGen C4225374, MONDO:0014581, OMIM 616313.

Allele frequency attached by ClinVar (database versions not stated): gnomAD exomes below 0.00001.

Submission:

Labcorp Genetics (formerly Invitae), Labcorp
Classification: Uncertain significance for Congenital myasthenic syndrome 2A. Last evaluated: 2023-09-12. Review status: criteria provided, single submitter. Criteria: Invitae Variant Classification Sherloc (09022015). Collection method: clinical testing. Allele origin: germline.
Comment: This variant has not been reported in the literature in individuals affected with CHRNB1-related conditions. Advanced modeling of protein sequence and biophysical properties (such as structural, functional, and spatial information, amino acid conservation, physicochemical variation, residue mobility, and thermodynamic stability) performed at Invitae indicates that this missense variant is not expected to disrupt CHRNB1 protein function. In summary, the available evidence is currently insufficient to determine the role of this variant in disease. Therefore, it has been classified as a Variant of Uncertain Significance. This sequence change replaces leucine, which is neutral and non-polar, with phenylalanine, which is neutral and non-polar, at codon 58 of the CHRNB1 protein (p.Leu58Phe). This variant is present in population databases (no rsID available, gnomAD 0.003%).

NM_000747.3(CHRNB1):c.172C>T (p.Leu58Phe)

Gene: CHRNB1 (cholinergic receptor nicotinic beta 1 subunit; plus strand). Cytogenetic location: 17p13.1.
Variant type: single nucleotide variant.
Coding change: c.172C>T on transcript NM_000747.3 (MANE Select); coding-DNA position 172, C replaced by T.
Protein change: p.Leu58Phe; replaces leucine 58 with phenylalanine.
Molecular consequence: missense variant.
Genome position (GRCh38, 1-based): chr17:7,445,383, C>T. VCF-style: chr17-7445383-C-T. GRCh37 (hg19) VCF-style: chr17-7348702-C-T.
Other names: short protein forms L58F.
Identifiers: ClinVar variation 2866410 (VCV002866410.3), dbSNP rs1208378819, ClinGen allele CA397787554.